The following is an entry in ClinVar:

NM_001267727.2(ARSG):c.539C>T (p.Ala180Val)

Gene: ARSG (arylsulfatase G; plus strand). Cytogenetic location: 17q24.2.
Variant type: single nucleotide variant.
Coding change: c.539C>T on transcript NM_001267727.2 (MANE Select); coding-DNA position 539, C replaced by T.
Protein change: p.Ala180Val; replaces alanine 180 with valine.
Molecular consequence: missense variant.
Genome position (GRCh38, 1-based): chr17:68,351,659, C>T. VCF-style: chr17-68351659-C-T. GRCh37 (hg19) VCF-style: chr17-66347800-C-T.
Other names: c.539C>T, p.Ala180Val (NM_001352899.2, NM_001352900.2, NM_001352901.2 and 8 more transcripts); c.491C>T, p.Ala164Val (NM_001352909.2); c.539C>T (NM_014960.4); short protein forms A164V, A180V.
Identifiers: ClinVar variation 1352838 (VCV001352838.5), dbSNP rs201509692, ClinGen allele CA8728261.

ClinVar aggregate classification (germline): Conflicting classifications of pathogenicity. Review status: criteria provided, conflicting classifications (1 of 4 stars). 3 submissions from 3 submitters: Uncertain significance (2); Likely benign (1). Last evaluated 2025-11-14.

Conditions:
ARSG-related disorder. Also called: ARSG-related condition.

Allele frequency attached by ClinVar (database versions not stated): gnomAD 0.00001 and 0.00003; gnomAD exomes 0.00007 and 0.00015; TOPMed 0.00007; ExAC 0.00015; 1000 Genomes Project 30x 0.00016; 1000 Genomes Project 0.00020.
gnomAD v4.1: 99 of 1,613,188 alleles (0.0061%); highest among the groups gnomAD compares: East Asian, 0.16%; no homozygotes.

Submissions (3):

PreventionGenetics, part of Exact Sciences
Classification: Likely benign for ARSG-related condition. Last evaluated: 2025-11-14. Review status: criteria provided, single submitter. Criteria: ACMG Guidelines, 2015. Collection method: clinical testing. Allele origin: germline.
Comment: This variant is classified as likely benign based on ACMG/AMP sequence variant interpretation guidelines (Richards et al. 2015 PMID: 25741868, with internal and published modifications).

Blueprint Genetics
Classification: Uncertain significance. Last evaluated: 2022-10-31. Review status: criteria provided, single submitter. Criteria: ACMG Guidelines, 2015. Collection method: clinical testing. Allele origin: germline.

Labcorp Genetics (formerly Invitae), Labcorp
Classification: Uncertain significance. Last evaluated: 2022-10-24. Review status: criteria provided, single submitter. Criteria: Invitae Variant Classification Sherloc (09022015). Collection method: clinical testing. Allele origin: germline.
Comment: This sequence change replaces alanine, which is neutral and non-polar, with valine, which is neutral and non-polar, at codon 180 of the ARSG protein (p.Ala180Val). This variant is present in population databases (rs201509692, gnomAD 0.2%). This variant has not been reported in the literature in individuals affected with ARSG-related conditions. ClinVar contains an entry for this variant (Variation ID: 1352838). Algorithms developed to predict the effect of missense changes on protein structure and function are either unavailable or do not agree on the potential impact of this missense change (SIFT: "Tolerated"; PolyPhen-2: "Probably Damaging"; Align-GVGD: "Class C0"). Algorithms developed to predict the effect of sequence changes on RNA splicing suggest that this variant may disrupt the consensus splice site. In summary, the available evidence is currently insufficient to determine the role of this variant in disease. Therefore, it has been classified as a Variant of Uncertain Significance.